The following is an entry in ClinVar:

NM_021224.6(ZNF462):c.3287T>A (p.Met1096Lys)

Gene: ZNF462 (zinc finger protein 462; plus strand). Cytogenetic location: 9q31.2.
Variant type: single nucleotide variant.
Coding change: c.3287T>A on transcript NM_021224.6 (MANE Select); coding-DNA position 3287, T replaced by A.
Protein change: p.Met1096Lys; replaces methionine 1096 with lysine.
Molecular consequence: missense variant. On other transcripts: intron variant (1).
Genome position (GRCh38, 1-based): chr9:106,927,199, T>A. VCF-style: chr9-106927199-T-A. GRCh37 (hg19) VCF-style: chr9-109689480-T-A.
Other names: c.3252+35T>A (NM_001347997.2); short protein forms M1096K.
Identifiers: ClinVar variation 3390484 (VCV003390484.1).

ClinVar aggregate classification (germline): Uncertain significance (1 of 4 stars; one submission).

Submission:

GeneDx
Classification: Uncertain significance. Last evaluated: 2024-06-12. Review status: criteria provided, single submitter. Criteria: GeneDx Variant Classification Process June 2021. Collection method: clinical testing. Allele origin: germline. Affected: yes.
Comment: Not observed at significant frequency in large population cohorts (gnomAD); In silico analysis indicates that this missense variant does not alter protein structure/function; Has not been previously published as pathogenic or benign to our knowledge